The following is an entry in ClinVar:

NM_001395413.1(POR):c.1361G>T (p.Arg454Leu)

Gene: POR (cytochrome p450 oxidoreductase; plus strand). Cytogenetic location: 7q11.23.
Variant type: single nucleotide variant.
Coding change: c.1361G>T on transcript NM_001395413.1 (MANE Select); coding-DNA position 1361, G replaced by T.
Protein change: p.Arg454Leu; replaces arginine 454 with leucine.
Molecular consequence: missense variant. On other transcripts: intron variant (1).
Genome position (GRCh38, 1-based): chr7:75,985,179, G>T. VCF-style: chr7-75985179-G-T. GRCh37 (hg19) VCF-style: chr7-75614497-G-T.
Other names: c.1361G>T, p.Arg454Leu (NM_001367562.3, NM_001382657.2, NM_001382658.3 and 1 more transcripts); c.1415G>T, p.Arg472Leu (NM_001382655.3); c.1239+221G>T (NM_001382662.3); c.1370G>T (NM_000941.2); short protein forms R454L, R472L.
Identifiers: ClinVar variation 3251474 (VCV003251474.2), dbSNP rs28931608.
Genomic context (GRCh38, chr7:75,985,179, plus strand): 5'-GCCCGTCCCTGCGGCCCCCCATCGACCACCTGTGTGAGCTGCTGCCGCGCCTGCAGGCCC[G>T]CTACTACTCCATCGCCTCATCCTCCAAGGTGAGGGCCGGCACTGCCCTGCCAGCCACACG-3'
Protein context (NP_001382342.1, residues 444-464): LCELLPRLQA[Arg454Leu]YYSIASSSKV

ClinVar aggregate classification (germline): Conflicting classifications of pathogenicity. Review status: criteria provided, conflicting classifications (1 of 4 stars). 2 submissions from 2 submitters: Likely pathogenic (1); Uncertain significance (1). Last evaluated 2024-04-26.

Conditions:
Congenital adrenal hyperplasia due to cytochrome P450 oxidoreductase deficiency. Also called: DISORDERED STEROIDOGENESIS DUE TO POR DEFICIENCY. Identifiers: Orphanet 95699, MedGen C1860042, MONDO:0013310, OMIM 613571.
Antley-Bixler syndrome with genital anomalies and disordered steroidogenesis (ABS1). Also called: POR Deficiency. Identifiers: Orphanet 63269, MedGen C3150099, MONDO:0008726, OMIM 201750.

Submissions (2):

Fulgent Genetics
Classification: Likely pathogenic for Antley-Bixler syndrome with genital anomalies and disordered steroidogenesis; Congenital adrenal hyperplasia due to cytochrome P450 oxidoreductase deficiency. Last evaluated: 2024-04-26. Review status: criteria provided, single submitter. Criteria: ACMG Guidelines, 2015. Collection method: clinical testing. Allele origin: germline.

Women's Health and Genetics/Laboratory Corporation of America, LabCorp
Classification: Uncertain significance. Last evaluated: 2024-04-08. Review status: criteria provided, single submitter. Criteria: LabCorp Variant Classification Summary - May 2015. Collection method: clinical testing. Allele origin: germline.
Comment: Variant summary: POR c.1361G>T (p.Arg454Leu) results in a non-conservative amino acid change in the encoded protein sequence. Three of three in-silico tools predict a damaging effect of the variant on protein function. The variant was absent in 232190 control chromosomes. The available data on variant occurrences in the general population are insufficient to allow any conclusion about variant significance. c.1361G>T has been reported in the literature in and individual affected with Congenital Adrenal Hyperplasia (Fan_2019). Additionally, another missense affecting the same codon (Arg454His) has been classified internally on the pathogenic spectrum. To our knowledge, no experimental evidence demonstrating an impact on protein function has been reported. The following publication have been ascertained in the context of this evaluation (PMID: 31888681). No submitters have cited clinical-significance assessments for this variant to ClinVar. Based on the evidence outlined above, the variant was classified as VUS-possibly pathogenic.

Literature cited by the submitters: PubMed 31888681 (cited by Women's Health and Genetics/Laboratory Corporation of America, LabCorp).